The following is an entry in ClinVar:

ClinVar aggregate classification (germline): Pathogenic. Review status: criteria provided, multiple submitters, no conflicts (2 of 4 stars). 5 submissions from 5 submitters: Pathogenic (5). Last evaluated 2023-09-27.

Conditions:
Hereditary cancer-predisposing syndrome. Also called: Neoplastic Syndromes, Hereditary; Hereditary Cancer Syndrome; Hereditary neoplastic syndrome; Tumor predisposition. Identifiers: Orphanet 140162, MedGen C0027672, MeSH D009386, MONDO:0015356.
Breast-ovarian cancer, familial, susceptibility to, 2 (BROVCA2). Also called: BRCA2 Hereditary Breast and Ovarian Cancer. Identifiers: Orphanet 145, MedGen C2675520, MONDO:0012933, OMIM 612555. Disease mechanism: loss of function.
Fanconi anemia complementation group D1. Also called: BRCA2-Related Fanconi Anemia. Identifiers: Orphanet 319462, MedGen C1838457, MONDO:0011584, OMIM 605724.
Hereditary breast ovarian cancer syndrome. Also called: Breast and ovarian cancer; Hereditary breast and ovarian cancer syndrome; Hereditary breast and ovarian cancer syndrome (HBOC); Hereditary breast and/or ovarian cancer syndrome; Hereditary breast and ovarian cancer; BRCA1- and BRCA2-Associated Hereditary Breast and Ovarian Cancer. Identifiers: Orphanet 145, MedGen C0677776, MeSH D061325, MONDO:0003582. Disease mechanism: loss of function.

Allele frequency attached by ClinVar (database versions not stated): gnomAD exomes below 0.00001.
gnomAD v4.1: 1 of 1,613,848 alleles (0.000062%); highest among the groups gnomAD compares: Non-Finnish European, 0.000085%; no homozygotes.

Submissions (5):

Labcorp Genetics (formerly Invitae), Labcorp
Classification: Pathogenic for Hereditary breast ovarian cancer syndrome. Last evaluated: 2023-09-27. Review status: criteria provided, single submitter. Criteria: Invitae Variant Classification Sherloc (09022015). Collection method: clinical testing. Allele origin: germline.
Comment: This sequence change creates a premature translational stop signal (p.Ser1818*) in the BRCA2 gene. It is expected to result in an absent or disrupted protein product. Loss-of-function variants in BRCA2 are known to be pathogenic (PMID: 20104584). This variant is not present in population databases (gnomAD no frequency). This premature translational stop signal has been observed in individual(s) with ovarian cancer (PMID: 35205313). ClinVar contains an entry for this variant (Variation ID: 623177). For these reasons, this variant has been classified as Pathogenic.

Ambry Genetics
Classification: Pathogenic for Hereditary cancer-predisposing syndrome. Last evaluated: 2023-06-12. Review status: criteria provided, single submitter. Criteria: Ambry Variant Classification Scheme 2023. Collection method: clinical testing. Allele origin: germline.
Comment: The p.S1818* pathogenic mutation (also known as c.5453C>A), located in coding exon 10 of the BRCA2 gene, results from a C to A substitution at nucleotide position 5453. This changes the amino acid from a serine to a stop codon within coding exon 10. This alteration is expected to result in loss of function by premature protein truncation or nonsense-mediated mRNA decay. As such, this alteration is interpreted as a disease-causing mutation.

Quest Diagnostics Nichols Institute San Juan Capistrano
Classification: Pathogenic. Last evaluated: 2023-04-11. Review status: criteria provided, single submitter. Criteria: Quest Diagnostics criteria. Collection method: clinical testing. Allele origin: unknown.
Comment: This nonsense variant causes the premature termination of BRCA2 protein synthesis. It has not been reported in large, multi-ethnic general populations. In the published literature, the variant has been reported in an individual with hereditary breast and ovarian cancer syndrome (PMID: 35205313 (2022)). Based on the available information, this variant is classified as pathogenic.

Molecular Diagnostics Laboratory, M Health Fairview: University of Minnesota
Classification: Pathogenic for Fanconi anemia complementation group D1. Last evaluated: 2016-10-17. Review status: criteria provided, single submitter. Criteria: ACMG Guidelines, 2015. Collection method: clinical testing. Allele origin: germline. Affected: yes. Observed: 1 variant allele.

Genesis Genomics
Classification: Pathogenic for Breast-ovarian cancer, familial, susceptibility to, 2. Review status: criteria provided, single submitter. Criteria: ACMG Guidelines, 2015. Collection method: clinical testing. Allele origin: germline. Affected: yes. Observed: 1 variant allele.

Literature cited by the submitters: PubMed 20104584 (cited by Labcorp Genetics (formerly Invitae), Labcorp); PubMed 35205313 (cited by Labcorp Genetics (formerly Invitae), Labcorp and Quest Diagnostics Nichols Institute San Juan Capistrano).

NM_000059.4(BRCA2):c.5453C>A (p.Ser1818Ter)

Gene: BRCA2 (BRCA2 DNA repair associated; plus strand). Cytogenetic location: 13q13.1.
Variant type: single nucleotide variant.
Coding change: c.5453C>A on transcript NM_000059.4 (MANE Select); coding-DNA position 5453, C replaced by A.
Protein change: p.Ser1818Ter; replaces serine 1818 with a stop codon.
Molecular consequence: nonsense.
Genome position (GRCh38, 1-based): chr13:32,339,808, C>A. VCF-style: chr13-32339808-C-A. GRCh37 (hg19) VCF-style: chr13-32913945-C-A.
Other names: short protein forms S1818*.
Identifiers: ClinVar variation 623177 (VCV000623177.11), dbSNP rs1566232471, ClinGen allele CA387785604.